The following is an entry in ClinVar:

ClinVar aggregate classification (germline): Uncertain significance. Review status: criteria provided, multiple submitters, no conflicts (2 of 4 stars). 3 submissions from 3 submitters: Uncertain significance (3). Last evaluated 2023-04-11.

Conditions:
Inborn genetic diseases. Identifiers: MedGen C0950123, MeSH D030342.
Developmental and epileptic encephalopathy, 18 (DEE18). Also called: Early infantile epileptic encephalopathy 18. Identifiers: Orphanet 369894, MedGen C3809624, MONDO:0014201, OMIM 615476.

Allele frequency attached by ClinVar (database versions not stated): gnomAD exomes 0.00001; ExAC 0.00002; ESP Exome Variant Server 0.00008; TOPMed 0.00008; gnomAD 0.00009.
gnomAD v4.1: 25 of 1,614,062 alleles (0.0015%); highest among the groups gnomAD compares: African/African-American, 0.032%; no homozygotes.

Submissions (3):

Genome-Nilou Lab
Classification: Uncertain significance for Developmental and epileptic encephalopathy, 18. Last evaluated: 2023-04-11. Review status: criteria provided, single submitter. Criteria: ACMG Guidelines, 2015. Collection method: clinical testing. Allele origin: germline. Affected: no.

Labcorp Genetics (formerly Invitae), Labcorp
Classification: Uncertain significance. Last evaluated: 2022-01-17. Review status: criteria provided, single submitter. Criteria: Invitae Variant Classification Sherloc (09022015). Collection method: clinical testing. Allele origin: germline.
Comment: This sequence change falls in intron 46 of the SZT2 gene. It does not directly change the encoded amino acid sequence of the SZT2 protein. It affects a nucleotide within the consensus splice site. This variant is present in population databases (rs375885010, gnomAD 0.02%). This variant has not been reported in the literature in individuals affected with SZT2-related conditions. ClinVar contains an entry for this variant (Variation ID: 649770). Variants that disrupt the consensus splice site are a relatively common cause of aberrant splicing (PMID: 17576681, 9536098). Algorithms developed to predict the effect of sequence changes on RNA splicing suggest that this variant may disrupt the consensus splice site. In summary, the available evidence is currently insufficient to determine the role of this variant in disease. Therefore, it has been classified as a Variant of Uncertain Significance.

Ambry Genetics
Classification: Uncertain significance for Inborn genetic diseases. Last evaluated: 2018-05-17. Review status: criteria provided, single submitter. Criteria: Ambry Variant Classification Scheme 2023. Collection method: clinical testing. Allele origin: germline.
Comment: The c.6457-3C>T intronic variant results from a C to T substitution 3 nucleotides upstream from coding exon 47 in the SZT2 gene. This nucleotide position is well conserved in available vertebrate species. Using the BDGP and ESEfinder splice site prediction tools, this alteration is not predicted to have any significant effect on this splice acceptor site; however, direct evidence is unavailable. Since supporting evidence is limited at this time, the clinical significance of this alteration remains unclear.

Literature cited by the submitters: PubMed 17576681 (cited by Labcorp Genetics (formerly Invitae), Labcorp); PubMed 9536098 (cited by Labcorp Genetics (formerly Invitae), Labcorp).

NM_001365999.1(SZT2):c.6628-3C>T

Gene: SZT2 (SZT2 subunit of KICSTOR complex; plus strand). Cytogenetic location: 1p34.2.
Variant type: single nucleotide variant.
Coding change: c.6628-3C>T on transcript NM_001365999.1 (MANE Select); 3 bases into the intron before coding-DNA position 6628, C replaced by T.
Molecular consequence: intron variant.
Genome position (GRCh38, 1-based): chr1:43,438,926, C>T. VCF-style: chr1-43438926-C-T. GRCh37 (hg19) VCF-style: chr1-43904597-C-T.
Other names: c.6457-3C>T (NM_015284.4).
Identifiers: ClinVar variation 649770 (VCV000649770.8), dbSNP rs375885010, ClinGen allele CA809979.
Genomic context (GRCh38, chr1:43,438,926, plus strand): 5'-TTCCAGGACAGTCTAGGCTGGAACTTCTGCATTCAGCTCTGCCCTCTTCTTCCCACTCTG[C>T]AGTTCATCCAGCCCCCTGGAAGTCTCCCCTCAGAGGTGCTGCATCTGGCCCTACCCACCT-3'